The following is an entry in ClinVar:

NM_001042492.3(NF1):c.3712G>A (p.Glu1238Lys)

Gene: NF1 (neurofibromin 1; plus strand). Cytogenetic location: 17q11.2.
Variant type: single nucleotide variant.
Coding change: c.3712G>A on transcript NM_001042492.3 (MANE Select); coding-DNA position 3712, G replaced by A.
Protein change: p.Glu1238Lys; replaces glutamic acid 1238 with lysine.
Molecular consequence: missense variant.
Genome position (GRCh38, 1-based): chr17:31,235,614, G>A. VCF-style: chr17-31235614-G-A. GRCh37 (hg19) VCF-style: chr17-29562632-G-A.
Other names: c.3712G>A, p.Glu1238Lys (NM_000267.4); short protein forms E1238K.
Identifiers: ClinVar variation 1734214 (VCV001734214.7), dbSNP rs1060500346, ClinGen allele CA398992278.

ClinVar aggregate classification (germline): Uncertain significance. Review status: criteria provided, multiple submitters, no conflicts (2 of 4 stars). 4 submissions from 4 submitters: Uncertain significance (4). Last evaluated 2025-08-23.

Conditions:
Neurofibromatosis-Noonan syndrome (NFNS). Also called: NEUROFIBROMATOSIS WITH NOONAN PHENOTYPE. Identifiers: Orphanet 638, MedGen C2931482, MONDO:0011035, OMIM 601321. Disease mechanism: loss of function.
Cardiovascular phenotype. Identifiers: MedGen CN230736.
Hereditary cancer-predisposing syndrome. Also called: Neoplastic Syndromes, Hereditary; Tumor predisposition; Hereditary Cancer Syndrome; Hereditary neoplastic syndrome. Identifiers: Orphanet 140162, MedGen C0027672, MeSH D009386, MONDO:0015356.
Neurofibromatosis, type 1 (NF1). Also called: VON RECKLINGHAUSEN DISEASE; NEUROFIBROMATOSIS, TYPE I, SOMATIC; Neurofibromatosis, type I; Peripheral type neurofibromatosis. Identifiers: Orphanet 636, MedGen C0027831, MONDO:0018975, OMIM 162200. Disease mechanism: loss of function.

Submissions (4):

Ambry Genetics
Classification: Uncertain significance for Cardiovascular phenotype; Hereditary cancer-predisposing syndrome. Last evaluated: 2025-08-23. Review status: criteria provided, single submitter. Criteria: Ambry Variant Classification Scheme 2023. Collection method: clinical testing. Allele origin: germline.
Comment: The p.E1238K variant (also known as c.3712G>A), located in coding exon 28 of the NF1 gene, results from a G to A substitution at nucleotide position 3712. The glutamic acid at codon 1238 is replaced by lysine, an amino acid with similar properties. This amino acid position is highly conserved in available vertebrate species. In addition, this alteration is predicted to be deleterious by in silico analysis. Since supporting evidence is limited at this time, the clinical significance of this alteration remains unclear.

Labcorp Genetics (formerly Invitae), Labcorp
Classification: Uncertain significance for Neurofibromatosis, type 1. Last evaluated: 2024-10-23. Review status: criteria provided, single submitter. Criteria: Invitae Variant Classification Sherloc (09022015). Collection method: clinical testing. Allele origin: germline.
Comment: This sequence change replaces glutamic acid, which is acidic and polar, with lysine, which is basic and polar, at codon 1238 of the NF1 protein (p.Glu1238Lys). This variant is not present in population databases (gnomAD no frequency). This variant has not been reported in the literature in individuals affected with NF1-related conditions. ClinVar contains an entry for this variant (Variation ID: 1734214). Invitae Evidence Modeling of protein sequence and biophysical properties (such as structural, functional, and spatial information, amino acid conservation, physicochemical variation, residue mobility, and thermodynamic stability) indicates that this missense variant is expected to disrupt NF1 protein function with a positive predictive value of 95%. In summary, the available evidence is currently insufficient to determine the role of this variant in disease. Therefore, it has been classified as a Variant of Uncertain Significance.

3billion
Classification: Uncertain significance for Neurofibromatosis-Noonan syndrome. Last evaluated: 2023-02-23. Review status: criteria provided, single submitter. Criteria: ACMG Guidelines, 2015. Collection method: clinical testing. Allele origin: unknown. Affected: yes.
Comment: The variant is not observed in the gnomAD v2.1.1 dataset. In silico tool predictions suggest damaging effect of the variant on gene or gene product (REVEL: 0.77; 3Cnet: 0.95). Therefore, this variant is classified as VUS according to the recommendation of ACMG/AMP guideline.

GeneDx
Classification: Uncertain significance. Last evaluated: 2022-12-22. Review status: criteria provided, single submitter. Criteria: GeneDx Variant Classification Process June 2021. Collection method: clinical testing. Allele origin: germline. Affected: yes.
Comment: Not observed at significant frequency in large population cohorts (gnomAD); In silico analysis supports that this missense variant has a deleterious effect on protein structure/function; Has not been previously published as pathogenic or benign to our knowledge; This variant is associated with the following publications: (PMID: 25486365, 22807134)